The following is an entry in ClinVar:

NM_005219.5(DIAPH1):c.1791ACC[1] (p.Pro599_Pro600del)

Gene: DIAPH1 (diaphanous related formin 1; minus strand). Cytogenetic location: 5q31.3.
Variant type: Microsatellite.
Coding change: c.1791ACC[1] on transcript NM_005219.5 (MANE Select); one copy of the 3-base unit ACC starting at c.1791; the reference has three copies in a row; two copies, 6 bases deleted.
Protein change: p.Pro599_Pro600del.
Molecular consequence: inframe deletion.
Genome position (GRCh38, 1-based): chr5:141,574,051-141,574,056, GGTGGT deleted on the plus strand (ACCACC on the coding strand, the reverse complement: DIAPH1 is on the minus strand); deleting any 6 consecutive bases within chr5:141,574,051-141,574,061 gives the same sequence; the position shown is the placement nearest the transcript's 3' end. VCF-style (leftmost placement, unchanged base first): chr5-141574050-AGGTGGT-A. GRCh37 (hg19) VCF-style: chr5-140953617-AGGTGGT-A.
Other names: c.1764ACC[1], p.Pro590_Pro591del (NM_001079812.3); c.1791ACC[1], p.Pro599_Pro600del (NM_001314007.2).
Identifiers: ClinVar variation 1520246 (VCV001520246.8), dbSNP rs1285003139, ClinGen allele CA804797151.

ClinVar aggregate classification (germline): Uncertain significance (1 of 4 stars; one submission).

Conditions:
Autosomal dominant nonsyndromic hearing loss 1. Also called: KONIGSMARK SYNDROME; DEAFNESS, AUTOSOMAL DOMINANT 1, WITH OR WITHOUT THROMBOCYTOPENIA. Identifiers: Orphanet 90635, MedGen C1852282, MONDO:0007424, OMIM 124900.
Progressive microcephaly-seizures-cortical blindness-developmental delay syndrome. Also called: Seizures, cortical blindness, and microcephaly syndrome. Identifiers: Orphanet 477814, MedGen C5567650, MONDO:0014714, OMIM 616632.

Submission:

Labcorp Genetics (formerly Invitae), Labcorp
Classification: Uncertain significance for Progressive microcephaly-seizures-cortical blindness-developmental delay syndrome; Autosomal dominant nonsyndromic hearing loss 1. Last evaluated: 2024-10-28. Review status: criteria provided, single submitter. Criteria: Invitae Variant Classification Sherloc (09022015). Collection method: clinical testing. Allele origin: germline.
Comment: This variant, c.1794_1799del, results in the deletion of 2 amino acid(s) of the DIAPH1 protein (p.Pro599_Pro600del), but otherwise preserves the integrity of the reading frame. This variant is not present in population databases (gnomAD no frequency). This variant has not been reported in the literature in individuals affected with DIAPH1-related conditions. Experimental studies and prediction algorithms are not available or were not evaluated, and the functional significance of this variant is currently unknown. In summary, the available evidence is currently insufficient to determine the role of this variant in disease. Therefore, it has been classified as a Variant of Uncertain Significance.